The following is an entry in ClinVar:

NM_001005242.3(PKP2):c.710A>C (p.Asn237Thr)

Gene: PKP2 (plakophilin 2; minus strand). Cytogenetic location: 12p11.21.
Variant type: single nucleotide variant.
Coding change: c.710A>C on transcript NM_001005242.3 (MANE Select); coding-DNA position 710, A replaced by C.
Protein change: p.Asn237Thr; replaces asparagine 237 with threonine.
Molecular consequence: missense variant.
Genome position (GRCh38, 1-based): chr12:32,878,170, T>G on the plus strand (A>C on the coding strand, the complement: PKP2 is on the minus strand). VCF-style: chr12-32878170-T-G. GRCh37 (hg19) VCF-style: chr12-33031104-T-G.
Other names: c.710A>C, p.Asn237Thr (NM_001407155.1, NM_001407156.1, NM_001407157.1 and 2 more transcripts); c.383A>C, p.Asn128Thr (NM_001407158.1, NM_001407159.1, NM_001407160.1 and 1 more transcripts); short protein forms N128T, N237T.
Identifiers: ClinVar variation 4725119 (VCV004725119.1).
Genomic context (GRCh38, chr12:32,878,170, plus strand): 5'-TCCAAGAGGTTGCCCATGCTGCGGCTGGTCCCTGGCCTGGGGTACGTGAGCAGGGCCGGG[T>G]TGGCAGGGATGCTGTCAAAAACGGTGTCGCTAACAGAGCCATGCTGGTACTGTCTGTGGT-3'
Protein context (NP_001005242.2, residues 227-247): SDTVFDSIPA[Asn237Thr]PALLTYPRPG

ClinVar aggregate classification (germline): Uncertain significance (1 of 4 stars; one submission).

Conditions:
Arrhythmogenic right ventricular dysplasia 9 (ARVD9). Also called: Arrhythmogenic Right Ventricular Dysplasia/Cardiomyopathy 9; ARRHYTHMOGENIC RIGHT VENTRICULAR DYSPLASIA, FAMILIAL, 9. Identifiers: MedGen C1836906, MONDO:0012180, OMIM 609040.

Submission:

Labcorp Genetics (formerly Invitae), Labcorp
Classification: Uncertain significance for Arrhythmogenic right ventricular dysplasia 9. Last evaluated: 2025-08-10. Review status: criteria provided, single submitter. Criteria: Invitae Variant Classification Sherloc (09022015). Collection method: clinical testing. Allele origin: germline.
Comment: This sequence change replaces asparagine, which is neutral and polar, with threonine, which is neutral and polar, at codon 237 of the PKP2 protein (p.Asn237Thr). This variant is not present in population databases (gnomAD no frequency). This variant has not been reported in the literature in individuals affected with PKP2-related conditions. An algorithm developed to predict the effect of missense changes on protein structure and function outputs the following: PolyPhen-2: "Benign". The threonine amino acid residue is found in multiple mammalian species, which suggests that this missense change does not adversely affect protein function. In summary, the available evidence is currently insufficient to determine the role of this variant in disease. Therefore, it has been classified as a Variant of Uncertain Significance.